The following is an entry in ClinVar:

NM_012233.3(RAB3GAP1):c.830+136C>T

Gene: RAB3GAP1 (RAB3 GTPase activating protein catalytic subunit 1; plus strand). Cytogenetic location: 2q21.3.
Variant type: single nucleotide variant.
Coding change: c.830+136C>T on transcript NM_012233.3 (MANE Select); 136 bases into the intron after coding-DNA position 830, C replaced by T.
Molecular consequence: intron variant.
Genome position (GRCh38, 1-based): chr2:135,124,382, C>T. VCF-style: chr2-135124382-C-T. GRCh37 (hg19) VCF-style: chr2-135881952-C-T.
Other names: c.830+136C>T (NM_001172435.2).
Identifiers: ClinVar variation 678396 (VCV000678396.2), dbSNP rs145687095, ClinGen allele CA56574520.

ClinVar aggregate classification (germline): Likely benign. Review status: criteria provided, multiple submitters, no conflicts (2 of 4 stars). 2 submissions from 2 submitters: Likely benign (2). Last evaluated 2018-06-19.

Allele frequency attached by ClinVar (database versions not stated): 1000 Genomes Project 30x 0.00344; 1000 Genomes Project 0.00379; TOPMed 0.00631; gnomAD exomes 0.00959; gnomAD 0.00970 and 0.00993.
gnomAD v4.1: 9,304 of 973,912 alleles (0.96%); highest among the groups gnomAD compares: Non-Finnish European, 1%; 95 homozygotes.

Submissions (2):

GeneDx
Classification: Likely benign. Last evaluated: 2018-06-19. Review status: criteria provided, single submitter. Criteria: GeneDx Variant Classification (06012015). Collection method: clinical testing. Allele origin: germline. Affected: yes.
Comment: This variant is considered likely benign or benign based on one or more of the following criteria: it is a conservative change, it occurs at a poorly conserved position in the protein, it is predicted to be benign by multiple in silico algorithms, and/or has population frequency not consistent with disease.

Breakthrough Genomics
Classification: Likely benign. Review status: criteria provided, single submitter. Criteria: ACMG Guidelines, 2015. Collection method: not provided. Allele origin: germline. Inheritance: Autosomal recessive inheritance. Affected: yes.